The following is an entry in ClinVar:

ClinVar aggregate classification (germline): Uncertain significance (1 of 4 stars; one submission).

Allele frequency attached by ClinVar (database versions not stated): gnomAD 0.00001; TOPMed below 0.00001.

Submission:

Women's Health and Genetics/Laboratory Corporation of America, LabCorp
Classification: Uncertain significance. Last evaluated: 2016-07-28. Review status: criteria provided, single submitter. Criteria: LabCorp Variant Classification Summary - May 2015. Collection method: clinical testing. Allele origin: germline.
Comment: Variant summary: The HBB c.-71G>A variant involves the alteration of a non-conserved nucleotide within the 5'UTR. One in silico tool predicts a benign outcome for this variant. This variant was not covered in control databases (ExAC, ESP, 1000Gs) and has not, to our knowledge, been reported in affected individuals via publications and/or reputable databases/clinical diagnostic laboratories; nor evaluated for functional impact by in vivo/vitro studies. Because of the absence of clinical information and the lack of functional studies, the variant is classified as a variant of uncertain significance (VUS) until additional information becomes available.

NM_000518.4(HBB):c.-71G>A

Genes: HBB (hemoglobin subunit beta; minus strand), LOC107133510 (origin of replication at HBB; plus strand), LOC106099062 (HBB recombination region; plus strand). Cytogenetic location: 11p15.4.
Variant type: single nucleotide variant.
Coding change: c.-71G>A on transcript NM_000518.4; 71 bases upstream of the start codon, G replaced by A.
Genome position (GRCh38, 1-based): chr11:5,227,092, C>T on the plus strand (G>A on the coding strand, the complement: HBB is on the minus strand). VCF-style: chr11-5227092-C-T. GRCh37 (hg19) VCF-style: chr11-5248322-C-T.
Identifiers: ClinVar variation 496003 (VCV000496003.3), dbSNP rs1554918264, ClinGen allele CA658683679.